The following is an entry in ClinVar:

ClinVar aggregate classification (germline): Likely pathogenic. Review status: criteria provided, multiple submitters, no conflicts (2 of 4 stars). 2 submissions from 2 submitters: Likely pathogenic (2). Last evaluated 2022-03-22.

Conditions:
X-linked agammaglobulinemia with growth hormone deficiency (IGHD3). Also called: ISOLATED GROWTH HORMONE DEFICIENCY, TYPE III, WITH AGAMMAGLOBULINEMIA; AGAMMAGLOBULINEMIA AND ISOLATED GROWTH HORMONE DEFICIENCY, X-LINKED; FLEISHER SYNDROME; Isolated growth hormone deficiency type 3; Growth hormone deficiency with hypogammaglobulinemia; HYPOGAMMAGLOBULINEMIA AND ISOLATED GROWTH HORMONE DEFICIENCY, X-LINKED. Identifiers: Orphanet 231692, Orphanet 631, MedGen C0472813, MONDO:0010615, OMIM 307200.
X-linked agammaglobulinemia (XLA). Also called: Bruton-type agammaglobulinemia; Agammaglobulinemia, Bruton tyrosine kinase; Agammaglobulinemia, BTK; BTK-deficiency; Bruton's agammaglobulinemia; AGAMMAGLOBULINEMIA, X-LINKED, TYPE 1. Identifiers: Orphanet 229717, Orphanet 47, MedGen C0221026, MONDO:0010421, OMIM 300755.

Submissions (2):

3billion
Classification: Likely pathogenic for X-linked agammaglobulinemia. Last evaluated: 2022-03-22. Review status: criteria provided, single submitter. Criteria: ACMG Guidelines, 2015. Collection method: clinical testing. Allele origin: germline. Affected: yes. Observed: 1 hemizygote.
Comment: Canonical splice site: predicted to alter splicing and result in a loss or disruption of normal protein function through nonsense-mediated decay (NMD) or protein truncation. Multiple pathogenic variants are reported downstream of the variant.It is not observed in the gnomAD v2.1.1 dataset. Therefore, this variant is classified as likely pathogenic according to the recommendation of ACMG/AMP guideline.

Labcorp Genetics (formerly Invitae), Labcorp
Classification: Likely pathogenic for X-linked agammaglobulinemia with growth hormone deficiency. Last evaluated: 2021-12-30. Review status: criteria provided, single submitter. Criteria: Invitae Variant Classification Sherloc (09022015). Collection method: clinical testing. Allele origin: germline.
Comment: Studies have shown that disruption of this splice site results in skipping of exon 9, but is expected to preserve the integrity of the reading-frame (PMID: 24383975). Disruption of this splice site has been observed in individual(s) with agammaglobulinemia (PMID: 7849721, 24383975). This variant is not present in population databases (gnomAD no frequency). This sequence change affects a donor splice site in intron 9 of the BTK gene. RNA analysis indicates that disruption of this splice site induces altered splicing and likely results in a shortened protein product. In summary, the currently available evidence indicates that the variant is pathogenic, but additional data are needed to prove that conclusively. Therefore, this variant has been classified as Likely Pathogenic.

Literature cited by the submitters: PubMed 24383975 (cited by Labcorp Genetics (formerly Invitae), Labcorp); PubMed 7849721 (cited by Labcorp Genetics (formerly Invitae), Labcorp).

NM_000061.3(BTK):c.839+1G>C

Gene: BTK (Bruton tyrosine kinase; minus strand). Cytogenetic location: Xq22.1.
Variant type: single nucleotide variant.
Coding change: c.839+1G>C on transcript NM_000061.3 (MANE Select); the canonical splice donor site of the intron after coding-DNA position 839, G replaced by C.
Molecular consequence: splice donor variant.
Genome position (GRCh38, 1-based): chrX:101,360,087, C>G on the plus strand (G>C on the coding strand, the complement: BTK is on the minus strand). VCF-style: chrX-101360087-C-G. GRCh37 (hg19) VCF-style: chrX-100615075-C-G.
Other names: c.941+1G>C (NM_001287344.2); c.839+1G>C (NM_001287345.2).
Identifiers: ClinVar variation 1526241 (VCV001526241.6), dbSNP rs1569292649, ClinGen allele CA413930670.